The following is an entry in ClinVar:

ClinVar aggregate classification (germline): Uncertain significance (1 of 4 stars; one submission).

Allele frequency attached by ClinVar (database versions not stated): gnomAD exomes 0.00001 and 0.00002; ExAC 0.00003.
gnomAD v4.1: 10 of 1,613,996 alleles (0.00062%); highest among the groups gnomAD compares: Non-Finnish European, 0.00051%; no homozygotes.

Submission:

GeneDx
Classification: Uncertain significance. Last evaluated: 2016-01-04. Review status: criteria provided, single submitter. Criteria: GeneDx Variant Classification (06012015). Collection method: clinical testing. Allele origin: germline. Affected: yes.
Comment: The M371T variant in the ABCC6 gene has not been reported previously as a pathogenic variant, nor as a benign variant, to our knowledge. The M371T variant was not observed in approximately 6,500 individuals of European and African American ancestry in the NHLBI Exome Sequencing Project, indicating it is not a common benign variant in these populations. The M371T variant is a non-conservative amino acid substitution, which is likely to impact secondary protein structure as these residues differ in polarity, charge, size and/or other properties. This substitution occurs at a position where amino acids with similar properties to Methionine are tolerated across species. In silico analysis is inconsistent in its predictions as to whether or not the variant is damaging to the protein structure/function. A missense variant in a nearby residue (N370D) has been reported in the Human Gene Mutation Database in association with pseudoxanthoma elasticum (Stenson et al., 2014), supporting the functional importance of this region of the protein. We interpret M371T as a variant of uncertain significance.

NM_001171.6(ABCC6):c.1112T>C (p.Met371Thr)

Gene: ABCC6 (ATP binding cassette subfamily C member 6; minus strand). Cytogenetic location: 16p13.11.
Variant type: single nucleotide variant.
Coding change: c.1112T>C on transcript NM_001171.6 (MANE Select); coding-DNA position 1112, T replaced by C.
Protein change: p.Met371Thr; replaces methionine 371 with threonine.
Molecular consequence: missense variant. On other transcripts: non-coding transcript variant (1).
Genome position (GRCh38, 1-based): chr16:16,202,065, A>G on the plus strand (T>C on the coding strand, the complement: ABCC6 is on the minus strand). VCF-style: chr16-16202065-A-G. GRCh37 (hg19) VCF-style: chr16-16295922-A-G.
Other names: c.770T>C, p.Met257Thr (NM_001351800.1); short protein forms M371T, M257T.
Identifiers: ClinVar variation 382157 (VCV000382157.2), dbSNP rs756614582, ClinGen allele CA7926464.
Genomic context (GRCh38, chr16:16,202,065, plus strand): 5'-CTGTACACCAGGCCAGTGATGGCCGACCGCAACCTCATCTGCAGCACCTTGAGCCTGTAC[A>G]TGTTCTGCTGCTCAAACAGCGTTTGCAGGCAGGCTGAGAGGAACATCAGCACGGCGAGGA-3'
Protein context (NP_001162.5, residues 361-381): CLQTLFEQQN[Met371Thr]YRLKVLQMRL